The following is an entry in ClinVar:

ClinVar aggregate classification (germline): Likely benign. Review status: criteria provided, multiple submitters, no conflicts (2 of 4 stars). 2 submissions from 2 submitters: Likely benign (2). Last evaluated 2018-06-13.

Allele frequency attached by ClinVar (database versions not stated): gnomAD 0.01458 and 0.01605; TOPMed 0.01487; gnomAD exomes 0.01670; 1000 Genomes Project 0.02157; 1000 Genomes Project 30x 0.02249.
gnomAD v4.1: 20,536 of 1,231,620 alleles (1.7%); highest among the groups gnomAD compares: South Asian, 5.7%; 241 homozygotes.

Submissions (2):

GeneDx
Classification: Likely benign. Last evaluated: 2018-06-13. Review status: criteria provided, single submitter. Criteria: GeneDx Variant Classification (06012015). Collection method: clinical testing. Allele origin: germline. Affected: yes.
Comment: This variant is considered likely benign or benign based on one or more of the following criteria: it is a conservative change, it occurs at a poorly conserved position in the protein, it is predicted to be benign by multiple in silico algorithms, and/or has population frequency not consistent with disease.

Breakthrough Genomics
Classification: Likely benign. Review status: criteria provided, single submitter. Criteria: ACMG Guidelines, 2015. Collection method: not provided. Allele origin: germline. Inheritance: Autosomal recessive inheritance. Affected: yes.

NM_004568.6(SERPINB6):c.-11+2722A>G

Gene: SERPINB6 (serpin family B member 6; minus strand). Cytogenetic location: 6p25.2.
Variant type: single nucleotide variant.
Coding change: c.-11+2722A>G on transcript NM_004568.6 (MANE Select); 2722 bases into the intron after 11 bases upstream of the start codon, A replaced by G.
Molecular consequence: intron variant. On other transcripts: 5 prime UTR variant (2), missense variant (1), initiator codon variant (1).
Genome position (GRCh38, 1-based): chr6:2,968,811, T>C on the plus strand (A>G on the coding strand, the complement: SERPINB6 is on the minus strand). VCF-style: chr6-2968811-T-C. GRCh37 (hg19) VCF-style: chr6-2969045-T-C.
Other names: c.-31A>G (NM_001195291.3, NM_001374515.1); c.1A>G, p.Met1Val (NM_001374517.1); c.-11+2781A>G (NM_001297700.2); c.-11+2680A>G (NM_001271824.2); c.-11+2437A>G (NM_001297699.2); c.32+2306A>G (NM_001271822.2); c.47+1947A>G (NM_001271823.2); c.-11+1885A>G (NM_001374516.1); short protein forms M1V.
Identifiers: ClinVar variation 683160 (VCV000683160.3), dbSNP rs3799196, ClinGen allele CA15425106.
Genomic context (GRCh38, chr6:2,968,811, plus strand): 5'-CACAAACAATGCTGGAAGTTCTGTTTACATGGAGGAAGTTCTGTTTACATGGACAGGACA[T>C]GTCAGCTGGGAGCTTCACTGCAGTGTGCTCAAGGGATCAGCAGCTTTTTTGTCCGGGAAC-3'